The following is an entry in ClinVar:

NM_032520.5(GNPTG):c.22C>T (p.Leu8Phe)

Genes: GNPTG (N-acetylglucosamine-1-phosphate transferase subunit gamma; plus strand), LOC130058158 (ATAC-STARR-seq lymphoblastoid silent region 6972; plus strand). Cytogenetic location: 16p13.3.
Variant type: single nucleotide variant.
Coding change: c.22C>T on transcript NM_032520.5 (MANE Select); coding-DNA position 22, C replaced by T.
Protein change: p.Leu8Phe; replaces leucine 8 with phenylalanine.
Molecular consequence: missense variant.
Genome position (GRCh38, 1-based): chr16:1,351,987, C>T. VCF-style: chr16-1351987-C-T. GRCh37 (hg19) VCF-style: chr16-1401988-C-T.
Other names: short protein forms L8F.
Identifiers: ClinVar variation 971255 (VCV000971255.8), dbSNP rs1292636769, ClinGen allele CA394183825.

ClinVar aggregate classification (germline): Conflicting classifications of pathogenicity. Review status: criteria provided, conflicting classifications (1 of 4 stars). 5 submissions from 5 submitters: Uncertain significance (3); Likely benign (1). 1 of the submissions does not count toward it. Last evaluated 2025-10-15.

Conditions:
GNPTG-mucolipidosis. Also called: Mucolipidosis type III gamma; MUCOLIPIDOSIS III, COMPLEMENTATION GROUP C; MUCOLIPIDOSIS III, IRANIAN VARIANT FORM; MUCOLIPIDOSIS III, VARIANT FORM; ML III GAMMA; ML IIIC. Identifiers: Orphanet 423470, Orphanet 577, MedGen C1854896, MONDO:0009652, OMIM 252605.
Inborn genetic diseases. Identifiers: MedGen C0950123, MeSH D030342.

Allele frequency attached by ClinVar (database versions not stated): gnomAD exomes below 0.00001; gnomAD 0.00001 and 0.00002.
gnomAD v4.1: 8 of 1,406,724 alleles (0.00057%); highest among the groups gnomAD compares: Middle Eastern, 0.025%; no homozygotes.

Submissions (5):

Ambry Genetics
Classification: Likely benign for Inborn genetic diseases. Last evaluated: 2025-10-15. Review status: criteria provided, single submitter. Criteria: Ambry Variant Classification Scheme 2023. Collection method: clinical testing. Allele origin: germline.

Dasa
Classification: Uncertain significance. Last evaluated: 2025-05-27. Review status: criteria provided, single submitter. Criteria: DASA Assertion Criteria. Collection method: clinical testing. Allele origin: germline.
Comment: NM_032520.5(GNPTG):c.22C>T (p.Leu8Phe) is a missense variant that results in the substitution of leucine with phenylalanine. This variant is rare in population databases. Computational prediction algorithms are consistent with a benign effect. The currently available literature and clinical evidence are not sufficient to establish a definitive association between this variant and the reported condition. Therefore, this variant is classified as a variant of uncertain significance.

Blueprint Genetics
Classification: Uncertain significance. Last evaluated: 2023-03-20. Review status: criteria provided, single submitter. Criteria: ACMG Guidelines, 2015. Collection method: clinical testing. Allele origin: germline.

Labcorp Genetics (formerly Invitae), Labcorp
Classification: Uncertain significance. Last evaluated: 2022-04-13. Review status: criteria provided, single submitter. Criteria: Invitae Variant Classification Sherloc (09022015). Collection method: clinical testing. Allele origin: germline.
Comment: This sequence change replaces leucine, which is neutral and non-polar, with phenylalanine, which is neutral and non-polar, at codon 8 of the GNPTG protein (p.Leu8Phe). This variant is present in population databases (no rsID available, gnomAD 0.01%). This variant has not been reported in the literature in individuals affected with GNPTG-related conditions. ClinVar contains an entry for this variant (Variation ID: 971255). Algorithms developed to predict the effect of missense changes on protein structure and function output the following: SIFT: "Tolerated"; PolyPhen-2: "Not Available"; Align-GVGD: "Class C0". The phenylalanine amino acid residue is found in multiple mammalian species, which suggests that this missense change does not adversely affect protein function. In summary, the available evidence is currently insufficient to determine the role of this variant in disease. Therefore, it has been classified as a Variant of Uncertain Significance.

Natera, Inc.
Classification: Uncertain significance for Mucolipidosis III gamma. Last evaluated: 2020-04-26. Review status: no assertion criteria provided. Collection method: clinical testing. Allele origin: germline. Not counted in ClinVar's aggregate classification.